The following is an entry in ClinVar:

ClinVar aggregate classification (germline): Benign (1 of 4 stars; one submission).

Allele frequency attached by ClinVar (database versions not stated): gnomAD 0.33796 and 0.34066; TOPMed 0.34498; 1000 Genomes Project 30x 0.37102; 1000 Genomes Project 0.37360.
gnomAD v4.1: 51,724 of 151,738 alleles (34%); highest among the groups gnomAD compares: East Asian, 47%; 9,001 homozygotes.

Submission:

GeneDx
Classification: Benign. Last evaluated: 2018-06-14. Review status: criteria provided, single submitter. Criteria: GeneDx Variant Classification (06012015). Collection method: clinical testing. Allele origin: germline. Affected: yes.
Comment: This variant is considered likely benign or benign based on one or more of the following criteria: it is a conservative change, it occurs at a poorly conserved position in the protein, it is predicted to be benign by multiple in silico algorithms, and/or has population frequency not consistent with disease.

NM_014317.5(PDSS1):c.129+291G>C

Gene: PDSS1 (decaprenyl diphosphate synthase subunit 1; plus strand). Cytogenetic location: 10p12.1.
Variant type: single nucleotide variant.
Coding change: c.129+291G>C on transcript NM_014317.5 (MANE Select); 291 bases into the intron after coding-DNA position 129, G replaced by C.
Molecular consequence: intron variant.
Genome position (GRCh38, 1-based): chr10:26,698,131, G>C. VCF-style: chr10-26698131-G-C. GRCh37 (hg19) VCF-style: chr10-26987060-G-C.
Other names: c.-465+291G>C (NM_001321979.2); c.129+291G>C (NM_001321978.2).
Identifiers: ClinVar variation 669539 (VCV000669539.1), dbSNP rs12254548, ClinGen allele CA13186044.